The following is an entry in ClinVar:

ClinVar aggregate classification (germline): Pathogenic (1 of 4 stars; one submission).

Conditions:
Retinoblastoma (RB1). Also called: RETINOBLASTOMA, SOMATIC. Identifiers: Orphanet 790, MedGen C0035335, MeSH D012175, MONDO:0008380, OMIM 180200, HP:0009919. Disease mechanism: loss of function. Inheritance: Both sporadic and heritable forms are tested..

Submission:

Genetic Diagnostic Laboratory, University of Pennsylvania School of Medicine
Classification: Pathogenic for Retinoblastoma. Last evaluated: 2024-05-20. Review status: criteria provided, single submitter. Criteria: ACMG Guidelines, 2015. Collection method: clinical testing. Allele origin: germline. Affected: yes. Observed: 2 variant alleles.
Comment: Case and Pedigree Information: BILATERAL CASES:1, UNILATERAL CASES:1, TOTAL CASES:2, PEDIGREES:1. ACMG Codes Applied:PVS1, PM2

NM_000321.3(RB1):c.1027_1028del (p.Leu343fs)

Gene: RB1 (RB transcriptional corepressor 1; plus strand). Cytogenetic location: 13q14.2.
Variant type: Microsatellite.
Coding change: c.1027_1028del on transcript NM_000321.3 (MANE Select); coding-DNA positions 1027 to 1028, 2 bases deleted (CT; older notation c.1027_1028delCT).
Protein change: p.Leu343fs; shifts the reading frame from leucine 343.
Molecular consequence: frameshift variant.
Genome position (GRCh38, 1-based): chr13:48,367,581-48,367,582, CT deleted; deleting any 2 consecutive bases within chr13:48,367,579-48,367,582 gives the same sequence; the c. name uses the placement nearest the transcript's 3' end. VCF-style (leftmost placement, unchanged base first): chr13-48367578-ACT-A. GRCh37 (hg19) VCF-style: chr13-48941714-ACT-A.
Other names: c.1027_1028del, p.Leu343fs (NM_001407165.1, NM_001407166.1); short protein forms L343fs.
Identifiers: ClinVar variation 3236941 (VCV003236941.1), dbSNP rs2542188653.